The following is an entry in ClinVar:

ClinVar aggregate classification (germline): Pathogenic (1 of 4 stars; one submission).

Submission:

GeneDx
Classification: Pathogenic. Last evaluated: 2014-05-12. Review status: criteria provided, single submitter. Criteria: GeneDx Variant Classification (06012015). Collection method: clinical testing. Allele origin: germline. Affected: yes.
Comment: Although the c.4180_4189del10 mutation in the COL3A1 gene has not been reported to our knowledge, this mutation causes a shift in reading frame starting at codon Glycine 1394, changing it to a Lysine, and creating a premature stop codon at position 41 of the new reading frame, denoted p.Gly1394LysfsX41. The normal sequence with the bases that are deleted in braces is: GATG[GGGTCAAATG]AAGG. This mutation is expected to result in an abnormal, truncated protein product. Other frameshift mutations in the COL3A1 gene have been reported in association with Ehlers-Danlos syndrome type IV.

NM_000090.4(COL3A1):c.4180_4189del (p.Gly1394fs)

Gene: COL3A1 (collagen type III alpha 1 chain; plus strand). Cytogenetic location: 2q32.2.
Variant type: Deletion.
Coding change: c.4180_4189del on transcript NM_000090.4 (MANE Select); coding-DNA positions 4180 to 4189, 10 bases deleted (GGGTCAAATG; older notation c.4180_4189delGGGTCAAATG).
Protein change: p.Gly1394fs; shifts the reading frame from glycine 1394.
Molecular consequence: frameshift variant.
Genome position (GRCh38, 1-based): chr2:189,010,816-189,010,825, GGGTCAAATG deleted; deleting any 10 consecutive bases within chr2:189,010,813-189,010,825 gives the same sequence; the c. name uses the placement nearest the transcript's 3' end. VCF-style (leftmost placement, unchanged base first): chr2-189010812-GATGGGGTCAA-G. GRCh37 (hg19) VCF-style: chr2-189875538-GATGGGGTCAA-G.
Other names: c.4180_4189delGGGTCAAATG (NM_000090.3); short protein forms G1394fs.
Identifiers: ClinVar variation 199750 (VCV000199750.2), dbSNP rs794728059, ClinGen allele CA006841.